The following is an entry in ClinVar:

ClinVar aggregate classification (germline): Uncertain significance (1 of 4 stars; one submission).

Conditions:
Emery-Dreifuss muscular dystrophy 4, autosomal dominant (EDMD4). Also called: EMERY-DREIFUSS MUSCULAR DYSTROPHY 4 WITH VARIABLE FEATURES. Identifiers: Orphanet 261, MedGen C2751807, MONDO:0013071, OMIM 612998.
Autosomal recessive ataxia, Beauce type. Also called: SYNE1-Related Autosomal Recessive Cerebellar Ataxia; Spinocerebellar ataxia, autosomal recessive 8; ATAXIA, RECESSIVE, OF BEAUCE; SYNE1 Deficiency. Identifiers: Orphanet 88644, MedGen C1853116, MONDO:0012549, OMIM 610743.

Submission:

Labcorp Genetics (formerly Invitae), Labcorp
Classification: Uncertain significance for Emery-Dreifuss muscular dystrophy 4, autosomal dominant; Autosomal recessive ataxia, Beauce type. Last evaluated: 2018-04-01. Review status: criteria provided, single submitter. Criteria: Invitae Variant Classification Sherloc (09022015). Collection method: clinical testing. Allele origin: germline.
Comment: Algorithms developed to predict the effect of missense changes on protein structure and function do not agree on the potential impact of this missense change (SIFT: "Deleterious"; PolyPhen-2: "Benign"; Align-GVGD: "Class C0"). In summary, the available evidence is currently insufficient to determine the role of this variant in disease. Therefore, it has been classified as a Variant of Uncertain Significance. This variant has not been reported in the literature in individuals with SYNE1-related disease. This variant is not present in population databases (ExAC no frequency). This sequence change replaces leucine with serine at codon 5469 of the SYNE1 protein (p.Leu5469Ser). The leucine residue is highly conserved and there is a large physicochemical difference between leucine and serine.

NM_182961.4(SYNE1):c.16619T>C (p.Leu5540Ser)

Gene: SYNE1 (spectrin repeat containing nuclear envelope protein 1; minus strand). Cytogenetic location: 6q25.2.
Variant type: single nucleotide variant.
Coding change: c.16619T>C on transcript NM_182961.4 (MANE Select); coding-DNA position 16619, T replaced by C.
Protein change: p.Leu5540Ser; replaces leucine 5540 with serine.
Molecular consequence: missense variant.
Genome position (GRCh38, 1-based): chr6:152,316,940, A>G on the plus strand (T>C on the coding strand, the complement: SYNE1 is on the minus strand). VCF-style: chr6-152316940-A-G. GRCh37 (hg19) VCF-style: chr6-152638075-A-G.
Other names: c.16406T>C, p.Leu5469Ser (NM_033071.5); short protein forms L5469S, L5540S.
Identifiers: ClinVar variation 582376 (VCV000582376.8), dbSNP rs1563012099, ClinGen allele CA366110524.